The following is an entry in ClinVar:

NM_000428.3(LTBP2):c.2881A>T (p.Ile961Phe)

Gene: LTBP2 (latent transforming growth factor beta binding protein 2; minus strand). Cytogenetic location: 14q24.3.
Variant type: single nucleotide variant.
Coding change: c.2881A>T on transcript NM_000428.3 (MANE Select); coding-DNA position 2881, A replaced by T.
Protein change: p.Ile961Phe; replaces isoleucine 961 with phenylalanine.
Molecular consequence: missense variant.
Genome position (GRCh38, 1-based): chr14:74,516,849, T>A on the plus strand (A>T on the coding strand, the complement: LTBP2 is on the minus strand). VCF-style: chr14-74516849-T-A. GRCh37 (hg19) VCF-style: chr14-74983552-T-A.
Other names: c.2881A>T (NM_000428.2); short protein forms I961F.
Identifiers: ClinVar variation 1463123 (VCV001463123.5), dbSNP rs779772607, ClinGen allele CA390390422.

ClinVar aggregate classification (germline): Uncertain significance. Review status: criteria provided, multiple submitters, no conflicts (2 of 4 stars). 2 submissions from 2 submitters: Uncertain significance (2). Last evaluated 2025-11-13.

Conditions:
Inborn genetic diseases. Identifiers: MedGen C0950123, MeSH D030342.

Allele frequency attached by ClinVar (database versions not stated): gnomAD exomes 0.00001 and below 0.00001; gnomAD 0.00005.

Submissions (2):

Ambry Genetics
Classification: Uncertain significance for Inborn genetic diseases. Last evaluated: 2025-11-13. Review status: criteria provided, single submitter. Criteria: Ambry Variant Classification Scheme 2023. Collection method: clinical testing. Allele origin: germline.

Labcorp Genetics (formerly Invitae), Labcorp
Classification: Uncertain significance. Last evaluated: 2022-02-02. Review status: criteria provided, single submitter. Criteria: Invitae Variant Classification Sherloc (09022015). Collection method: clinical testing. Allele origin: germline.
Comment: This sequence change replaces isoleucine, which is neutral and non-polar, with phenylalanine, which is neutral and non-polar, at codon 961 of the LTBP2 protein (p.Ile961Phe). This variant is present in population databases (no rsID available, gnomAD 0.02%). This variant has not been reported in the literature in individuals affected with LTBP2-related conditions. Algorithms developed to predict the effect of missense changes on protein structure and function are either unavailable or do not agree on the potential impact of this missense change (SIFT: "Deleterious"; PolyPhen-2: "Possibly Damaging"; Align-GVGD: "Class C0"). In summary, the available evidence is currently insufficient to determine the role of this variant in disease. Therefore, it has been classified as a Variant of Uncertain Significance.